The following is an entry in ClinVar:

ClinVar aggregate classification (germline): Uncertain significance (1 of 4 stars; one submission).

Conditions:
Charcot-Marie-Tooth disease axonal type 2F (CMT2F). Also called: CHARCOT-MARIE-TOOTH DISEASE, NEURONAL, TYPE 2F; Charcot-Marie-Tooth Neuropathy Type 2F. Identifiers: Orphanet 99940, MedGen C1847823, MONDO:0011687, OMIM 606595.

Allele frequency attached by ClinVar (database versions not stated): gnomAD exomes 0.00001.
gnomAD v4.1: 5 of 1,613,702 alleles (0.00031%); highest among the groups gnomAD compares: Non-Finnish European, 0.00042%; no homozygotes.

Submission:

Labcorp Genetics (formerly Invitae), Labcorp
Classification: Uncertain significance for Charcot-Marie-Tooth disease axonal type 2F. Last evaluated: 2025-02-12. Review status: criteria provided, single submitter. Criteria: Invitae Variant Classification Sherloc (09022015). Collection method: clinical testing. Allele origin: germline.
Comment: This sequence change replaces isoleucine, which is neutral and non-polar, with threonine, which is neutral and polar, at codon 179 of the HSPB1 protein (p.Ile179Thr). This variant is not present in population databases (gnomAD no frequency). This variant has not been reported in the literature in individuals affected with HSPB1-related conditions. ClinVar contains an entry for this variant (Variation ID: 2783464). Invitae Evidence Modeling of protein sequence and biophysical properties (such as structural, functional, and spatial information, amino acid conservation, physicochemical variation, residue mobility, and thermodynamic stability) indicates that this missense variant is not expected to disrupt HSPB1 protein function with a negative predictive value of 95%. In summary, the available evidence is currently insufficient to determine the role of this variant in disease. Therefore, it has been classified as a Variant of Uncertain Significance.

NM_001540.5(HSPB1):c.536T>C (p.Ile179Thr)

Gene: HSPB1 (heat shock protein family B (small) member 1; plus strand). Cytogenetic location: 7q11.23.
Variant type: single nucleotide variant.
Coding change: c.536T>C on transcript NM_001540.5 (MANE Select); coding-DNA position 536, T replaced by C.
Protein change: p.Ile179Thr; replaces isoleucine 179 with threonine.
Molecular consequence: missense variant.
Genome position (GRCh38, 1-based): chr7:76,304,091, T>C. VCF-style: chr7-76304091-T-C. GRCh37 (hg19) VCF-style: chr7-75933408-T-C.
Other names: short protein forms I179T.
Identifiers: ClinVar variation 2783464 (VCV002783464.3), dbSNP rs2536151967, ClinGen allele CA367766297.
Genomic context (GRCh38, chr7:76,304,091, plus strand): 5'-CTGAGGGCACACTGACCGTGGAGGCCCCCATGCCCAAGCTAGCCACGCAGTCCAACGAGA[T>C]CACCATCCCAGTCACCTTCGAGTCGCGGGCCCAGCTTGGGGGCCCAGAAGCTGCAAAATC-3'
Protein context (NP_001531.1, residues 169-189): MPKLATQSNE[Ile179Thr]TIPVTFESRA